The following is an entry in ClinVar:

ClinVar aggregate classification (germline): Uncertain significance. Review status: criteria provided, multiple submitters, no conflicts (2 of 4 stars). 3 submissions from 3 submitters: Uncertain significance (3). Last evaluated 2024-11-20.

Conditions:
Hereditary cancer-predisposing syndrome. Also called: Tumor predisposition; Hereditary Cancer Syndrome; Neoplastic Syndromes, Hereditary; Hereditary neoplastic syndrome. Identifiers: Orphanet 140162, MedGen C0027672, MeSH D009386, MONDO:0015356.
Multiple endocrine neoplasia, type 1 (MEN1). Also called: MEN I; WERMER SYNDROME; Endocrine adenomatosis multiple; MEN 1; MEA I. Identifiers: Orphanet 652, MedGen C0025267, MeSH D018761, MONDO:0007540, OMIM 131100.

Allele frequency attached by ClinVar (database versions not stated): gnomAD exomes below 0.00001; TOPMed below 0.00001; gnomAD 0.00001.

Submissions (3):

Ambry Genetics
Classification: Uncertain significance for Hereditary cancer-predisposing syndrome. Last evaluated: 2024-11-20. Review status: criteria provided, single submitter. Criteria: Ambry Variant Classification Scheme 2023. Collection method: clinical testing. Allele origin: germline.
Comment: The p.F159S variant (also known as c.476T>C), located in coding exon 2 of the MEN1 gene, results from a T to C substitution at nucleotide position 476. The phenylalanine at codon 159 is replaced by serine, an amino acid with highly dissimilar properties. This amino acid position is highly conserved in available vertebrate species. In addition, this alteration is predicted to be deleterious by in silico analysis. Based on the available evidence, the clinical significance of this variant remains unclear.

Labcorp Genetics (formerly Invitae), Labcorp
Classification: Uncertain significance for Multiple endocrine neoplasia, type 1. Last evaluated: 2023-12-31. Review status: criteria provided, single submitter. Criteria: Invitae Variant Classification Sherloc (09022015). Collection method: clinical testing. Allele origin: germline.
Comment: This sequence change replaces phenylalanine, which is neutral and non-polar, with serine, which is neutral and polar, at codon 159 of the MEN1 protein (p.Phe159Ser). This variant is not present in population databases (gnomAD no frequency). This variant has not been reported in the literature in individuals affected with MEN1-related conditions. ClinVar contains an entry for this variant (Variation ID: 485722). Advanced modeling of protein sequence and biophysical properties (such as structural, functional, and spatial information, amino acid conservation, physicochemical variation, residue mobility, and thermodynamic stability) performed at Invitae indicates that this missense variant is expected to disrupt MEN1 protein function with a positive predictive value of 95%. In summary, the available evidence is currently insufficient to determine the role of this variant in disease. Therefore, it has been classified as a Variant of Uncertain Significance.

Blueprint Genetics
Classification: Uncertain significance. Last evaluated: 2023-01-18. Review status: criteria provided, single submitter. Criteria: ACMG Guidelines, 2015. Collection method: clinical testing. Allele origin: germline.

NM_001370259.2(MEN1):c.476T>C (p.Phe159Ser)

Gene: MEN1 (menin 1; minus strand). Cytogenetic location: 11q13.1.
Variant type: single nucleotide variant.
Coding change: c.476T>C on transcript NM_001370259.2 (MANE Select); coding-DNA position 476, T replaced by C.
Protein change: p.Phe159Ser; replaces phenylalanine 159 with serine.
Molecular consequence: missense variant.
Genome position (GRCh38, 1-based): chr11:64,808,069, A>G on the plus strand (T>C on the coding strand, the complement: MEN1 is on the minus strand). VCF-style: chr11-64808069-A-G. GRCh37 (hg19) VCF-style: chr11-64575541-A-G.
Other names: c.491T>C, p.Phe164Ser (NM_000244.4, NM_130800.3, NM_130801.3 and 3 more transcripts); c.476T>C, p.Phe159Ser (NM_001370251.2, NM_001370260.2, NM_001370261.2 and 3 more transcripts); short protein forms F164S, F159S.
Identifiers: ClinVar variation 485722 (VCV000485722.11), dbSNP rs1555165861, ClinGen allele CA381186196.
Genomic context (GRCh38, chr11:64,808,069, plus strand): 5'-TCAGACAGGGCGAGGTGGACATCCCGGAGACCCAGGGCCTGGCAGGCCCCAACCACAGCA[A>G]AGGCCACACCGGAGCTGTCCAATTTGGTGCCTGTGGAAGGGGGAGGTAATGAAAGAGGGT-3'
Protein context (NP_001357188.2, residues 149-169): GTKLDSSGVA[Phe159Ser]AVVGACQALG